The following is an entry in ClinVar:

NM_002137.4(HNRNPA2B1):c.932G>A (p.Gly311Asp)

Gene: HNRNPA2B1 (heterogeneous nuclear ribonucleoprotein A2/B1; minus strand). Cytogenetic location: 7p15.2.
Variant type: single nucleotide variant.
Coding change: c.932G>A on transcript NM_002137.4 (MANE Select); coding-DNA position 932, G replaced by A.
Protein change: p.Gly311Asp; replaces glycine 311 with aspartic acid.
Molecular consequence: missense variant.
Genome position (GRCh38, 1-based): chr7:26,193,283, C>T on the plus strand (G>A on the coding strand, the complement: HNRNPA2B1 is on the minus strand). VCF-style: chr7-26193283-C-T. GRCh37 (hg19) VCF-style: chr7-26232903-C-T.
Other names: c.968G>A, p.Gly323Asp (NM_031243.4); short protein forms G311D, G323D.
Identifiers: ClinVar variation 2632897 (VCV002632897.1), dbSNP rs2535717956, ClinGen allele CA367071780.
Genomic context (GRCh38, chr7:26,193,283, plus strand): 5'-CTGAATAACCTCAATTTTTATAAATTACCTCCACCATATGGTCCCCCCATGTTCCTGCTA[C>T]CACCAAAGTTTCCACTCTTCATTGGACCGTAGTTAGAAGGTTGCTGGTTATAATTTCCAA-3'
Protein context (NP_002128.1, residues 301-321): YGPMKSGNFG[Gly311Asp]SRNMGGPYGG

ClinVar aggregate classification (germline): Uncertain significance (1 of 4 stars; one submission).

Conditions:
HNRNPA2B1-related disorder. Also called: HNRNPA2B1-related condition.

Submission:

PreventionGenetics, part of Exact Sciences
Classification: Uncertain significance for HNRNPA2B1-related condition. Last evaluated: 2023-04-12. Review status: criteria provided, single submitter. Criteria: ACMG Guidelines, 2015. Collection method: clinical testing. Allele origin: germline.
Comment: The HNRNPA2B1 c.968G>A variant is predicted to result in the amino acid substitution p.Gly323Asp. To our knowledge, this variant has not been reported in the literature or in a large population database, indicating this variant is rare. At this time, the clinical significance of this variant is uncertain due to the absence of conclusive functional and genetic evidence.